The following is an entry in ClinVar:

ClinVar aggregate classification (germline): Uncertain significance (1 of 4 stars; one submission).

Conditions:
Charcot-Marie-Tooth disease type 4. Also called: Charcot-Marie-Tooth, Type 4; Charcot-Marie-Tooth disease, type IV. Identifiers: Orphanet 64749, MedGen C4082197, MONDO:0018995.

Allele frequency attached by ClinVar (database versions not stated): gnomAD exomes below 0.00001.
gnomAD v4.1: 1 of 1,614,118 alleles (0.000062%); highest among the groups gnomAD compares: Admixed American, 0.0017%; no homozygotes.

Submission:

Labcorp Genetics (formerly Invitae), Labcorp
Classification: Uncertain significance for Charcot-Marie-Tooth disease type 4. Last evaluated: 2022-07-20. Review status: criteria provided, single submitter. Criteria: Invitae Variant Classification Sherloc (09022015). Collection method: clinical testing. Allele origin: germline.
Comment: This sequence change replaces serine, which is neutral and polar, with proline, which is neutral and non-polar, at codon 1717 of the SBF2 protein (p.Ser1717Pro). This variant is present in population databases (no rsID available, gnomAD 0.003%). This variant has not been reported in the literature in individuals affected with SBF2-related conditions. Algorithms developed to predict the effect of missense changes on protein structure and function (SIFT, PolyPhen-2, Align-GVGD) all suggest that this variant is likely to be tolerated. In summary, the available evidence is currently insufficient to determine the role of this variant in disease. Therefore, it has been classified as a Variant of Uncertain Significance.

NM_030962.4(SBF2):c.5149T>C (p.Ser1717Pro)

Genes: SBF2 (SET binding factor 2; minus strand), SBF2-AS1 (SBF2 antisense RNA 1; plus strand), LOC105369149 (uncharacterized LOC105369149; plus strand). Cytogenetic location: 11p15.4.
Variant type: single nucleotide variant.
Coding change: c.5149T>C on transcript NM_030962.4 (MANE Select); coding-DNA position 5149, T replaced by C.
Protein change: p.Ser1717Pro; replaces serine 1717 with proline.
Molecular consequence: missense variant.
Genome position (GRCh38, 1-based): chr11:9,785,207, A>G on the plus strand (T>C on the coding strand, the complement: SBF2 is on the minus strand). VCF-style: chr11-9785207-A-G. GRCh37 (hg19) VCF-style: chr11-9806754-A-G.
Other names: c.5245T>C, p.Ser1749Pro (NM_001386339.1); c.5020T>C, p.Ser1674Pro (NM_001386342.1); short protein forms S1717P, S1749P, S1674P.
Identifiers: ClinVar variation 1926163 (VCV001926163.4), dbSNP rs1193551082, ClinGen allele CA379631603.
Genomic context (GRCh38, chr11:9,785,207, plus strand): 5'-TATACTGGCTATAGAGCGTGGCTGCTCTTCGCTCCACTCCATTGGATGGGGAGATGCTGG[A>G]ATTCTGTTCCTCCCCCATGCTGCTGTCTGGGAGATGTAGCAGAGACCTCTTCTGATAGGA-3'
Protein context (NP_112224.1, residues 1707-1727): PDSSMGEEQN[Ser1717Pro]SISPSNGVER